The following is an entry in ClinVar:

ClinVar aggregate classification (germline): Likely benign. Review status: criteria provided, multiple submitters, no conflicts (2 of 4 stars). 2 submissions from 2 submitters: Likely benign (2). Last evaluated 2026-06-28.

Conditions:
STX16-related disorder. Also called: STX16-related condition.

Submissions (2):

PreventionGenetics, part of Exact Sciences
Classification: Likely benign for STX16-related condition. Last evaluated: 2026-06-28. Review status: criteria provided, single submitter. Criteria: ACMG Guidelines, 2015. Collection method: clinical testing. Allele origin: germline.
Comment: This variant is classified as likely benign based on ACMG/AMP sequence variant interpretation guidelines (Richards et al. 2015 PMID: 25741868, with internal and published modifications).

Labcorp Genetics (formerly Invitae), Labcorp
Classification: Likely benign. Last evaluated: 2025-12-15. Review status: criteria provided, single submitter. Criteria: Invitae Variant Classification Sherloc (09022015). Collection method: clinical testing. Allele origin: germline.

NM_001001433.3(STX16):c.774G>C (p.Gly258=)

Genes: STX16 (syntaxin 16; plus strand), STX16-NPEPL1 (STX16-NPEPL1 readthrough (NMD candidate); plus strand). Cytogenetic location: 20q13.32.
Variant type: single nucleotide variant.
Coding change: c.774G>C on transcript NM_001001433.3 (MANE Select); coding-DNA position 774, G replaced by C.
Protein change: p.Gly258=; no amino-acid change (glycine 258 retained).
Molecular consequence: synonymous variant. On other transcripts: non-coding transcript variant (4).
Genome position (GRCh38, 1-based): chr20:58,671,279, G>C. VCF-style: chr20-58671279-G-C. GRCh37 (hg19) VCF-style: chr20-57246335-G-C.
Other names: c.762G>C, p.Gly254= (NM_001134772.3); c.723G>C, p.Gly241= (NM_001134773.3); c.615G>C, p.Gly205= (NM_001204868.2); c.711G>C, p.Gly237= (NM_003763.6); c.774G>C (NM_001001433.2).
Identifiers: ClinVar variation 4810873 (VCV004810873.2).
Genomic context (GRCh38, chr20:58,671,279, plus strand): 5'-AGAGATTCGCCAGATTGTACAGTCCATTTCTGACCTGAATGAAATATTCAGGGACTTAGG[G>C]GCGATGATTGTAGAACAGGTACGTGAGCTGGCCTTCCTCGTGAATAGGTTTTCCTGCCAT-3'
Protein context (NP_001001433.1, residues 248-268): SDLNEIFRDL[Gly258=]AMIVEQGTVL